The following is an entry in ClinVar:

NM_001128840.3(CACNA1D):c.4203-5A>G

Gene: CACNA1D (calcium voltage-gated channel subunit alpha1 D; plus strand). Cytogenetic location: 3p21.1.
Variant type: single nucleotide variant.
Coding change: c.4203-5A>G on transcript NM_001128840.3 (MANE Select); 5 bases into the intron before coding-DNA position 4203, A replaced by G.
Molecular consequence: intron variant.
Genome position (GRCh38, 1-based): chr3:53,775,881, A>G. VCF-style: chr3-53775881-A-G. GRCh37 (hg19) VCF-style: chr3-53809908-A-G.
Other names: c.4158-5A>G (NM_001128839.3); c.4263-5A>G (NM_000720.4).
Identifiers: ClinVar variation 3692583 (VCV003692583.2).

ClinVar aggregate classification (germline): Uncertain significance (1 of 4 stars; one submission).

Submission:

Labcorp Genetics (formerly Invitae), Labcorp
Classification: Uncertain significance. Last evaluated: 2024-11-30. Review status: criteria provided, single submitter. Criteria: Invitae Variant Classification Sherloc (09022015). Collection method: clinical testing. Allele origin: germline.
Comment: This sequence change falls in intron 35 of the CACNA1D gene. It does not directly change the encoded amino acid sequence of the CACNA1D protein. This variant is not present in population databases (gnomAD no frequency). This variant has not been reported in the literature in individuals affected with CACNA1D-related conditions. Algorithms developed to predict the effect of sequence changes on RNA splicing suggest that this variant may disrupt the consensus splice site. In summary, the available evidence is currently insufficient to determine the role of this variant in disease. Therefore, it has been classified as a Variant of Uncertain Significance.